The following is an entry in ClinVar:

NM_001367479.1(DNAH14):c.3087del (p.Gln1030fs)

Gene: DNAH14 (dynein axonemal heavy chain 14; plus strand). Cytogenetic location: 1q42.12.
Variant type: Deletion.
Coding change: c.3087del on transcript NM_001367479.1 (MANE Select); coding-DNA position 3087, one base deleted (A; older notation c.3087delA).
Protein change: p.Gln1030fs; shifts the reading frame from glutamine 1030.
Molecular consequence: frameshift variant.
Genome position (GRCh38, 1-based): chr1:225,080,699, A deleted. VCF-style (leftmost placement, unchanged base first): chr1-225080698-TA-T. GRCh37 (hg19) VCF-style: chr1-225268400-TA-T.
Other names: NM_001373.1:c.3087del; short protein forms Q1030fs.
Identifiers: ClinVar variation 4891378 (VCV004891378.2).
Genomic context (GRCh38, chr1:225,080,698, plus strand): 5'-GGAAGCGAGCCTCTTGGGAATGGAGGAATAGTTCTCTTCAAAGTATTGATGTAGAATCAG[TA>T]CAGAGAAATGTTTCAAAACTGATGCACATAATCTCGGTACTAGAAAAAGGTAAAAATGTG-3'

ClinVar aggregate classification (germline): Uncertain significance (1 of 4 stars; one submission).

Submission:

GeneDx
Classification: Uncertain significance. Last evaluated: 2026-10-19. Review status: criteria provided, single submitter. Criteria: GeneDx Variant Classification Process June 2021. Collection method: clinical testing. Allele origin: germline.
Comment: Frameshift variant predicted to result in protein truncation or nonsense mediated decay in a gene or region of a gene for which loss of function is not a well-established mechanism of disease; Has not been previously published as pathogenic or benign to our knowledge